The following is an entry in ClinVar:

ClinVar aggregate classification (germline): Uncertain significance. Review status: criteria provided, multiple submitters, no conflicts (2 of 4 stars). 3 submissions from 3 submitters: Uncertain significance (2). 1 of the submissions does not count toward it. Last evaluated 2022-07-12.

Conditions:
Inborn genetic diseases. Identifiers: MedGen C0950123, MeSH D030342.
Multiple sclerosis. Identifiers: MedGen C0026769, MONDO:0005301.
Hereditary sensory and autonomic neuropathy type 6. Also called: HSAN VI; Neuropathy, hereditary sensory and autonomic, type VI. Identifiers: Orphanet 314381, MedGen C3539003, MONDO:0013839, OMIM 614653.
Epidermolysis bullosa simplex 3, localized or generalized intermediate, with BP230 deficiency (EBS3). Also called: Epidermolysis bullosa simplex, autosomal recessive 2; Epidermolysis bullosa simplex due to BP230 deficiency. Identifiers: Orphanet 412181, MedGen C3809470, MONDO:0014180, OMIM 615425.

Allele frequency attached by ClinVar (database versions not stated): gnomAD 0.00001; ExAC 0.00002; gnomAD exomes 0.00002.
gnomAD v4.1: 15 of 1,603,338 alleles (0.00094%); highest among the groups gnomAD compares: Admixed American, 0.0017%; no homozygotes.

Submissions (3):

Labcorp Genetics (formerly Invitae), Labcorp
Classification: Uncertain significance for Epidermolysis bullosa simplex 3, localized or generalized intermediate, with BP230 deficiency; Hereditary sensory and autonomic neuropathy type 6. Last evaluated: 2022-07-12. Review status: criteria provided, single submitter. Criteria: Invitae Variant Classification Sherloc (09022015). Collection method: clinical testing. Allele origin: germline.
Comment: In summary, the available evidence is currently insufficient to determine the role of this variant in disease. Therefore, it has been classified as a Variant of Uncertain Significance. Experimental studies and prediction algorithms are not available or were not evaluated, and the functional significance of this variant is currently unknown. This variant has not been reported in the literature in individuals affected with DST-related conditions. This variant is present in population databases (rs750727762, gnomAD 0.005%). This sequence change replaces leucine, which is neutral and non-polar, with valine, which is neutral and non-polar, at codon 2513 of the DST protein (p.Leu2513Val). The DST gene has multiple clinically relevant transcripts. This variant occurs in alternate transcript NM_015548.4 and corresponds to NM_001723.5:c.*62131T>G in the primary transcript.

Ambry Genetics
Classification: Uncertain significance for Inborn genetic diseases. Last evaluated: 2022-02-16. Review status: criteria provided, single submitter. Criteria: Ambry Variant Classification Scheme 2023. Collection method: clinical testing. Allele origin: germline.
Comment: The p.L3017V variant (also known as c.9049T>G), located in coding exon 55 of the DST gene, results from a T to G substitution at nucleotide position 9049. The leucine at codon 3017 is replaced by valine, an amino acid with highly similar properties. This amino acid position is highly conserved in available vertebrate species. In addition, this alteration is predicted to be tolerated by in silico analysis. Since supporting evidence is limited at this time, the clinical significance of this alteration remains unclear.

Department of Molecular Biology and Genetics, Acibadem University
Classification: Likely pathogenic for Multiple sclerosis. Last evaluated: 2024-06-10. Review status: no assertion criteria provided. Collection method: research. Allele origin: germline. Affected: yes. Not counted in ClinVar's aggregate classification.

NM_001374736.1(DST):c.15406T>G (p.Leu5136Val)

Gene: DST (dystonin; minus strand). Cytogenetic location: 6p12.1.
Variant type: single nucleotide variant.
Coding change: c.15406T>G on transcript NM_001374736.1 (MANE Select); coding-DNA position 15406, T replaced by G.
Protein change: p.Leu5136Val; replaces leucine 5136 with valine.
Molecular consequence: missense variant.
Genome position (GRCh38, 1-based): chr6:56,553,386, A>C on the plus strand (T>G on the coding strand, the complement: DST is on the minus strand). VCF-style: chr6-56553386-A-C. GRCh37 (hg19) VCF-style: chr6-56418184-A-C.
Other names: c.9049T>G, p.Leu3017Val (NM_001144769.5); c.8635T>G, p.Leu2879Val (NM_001144770.2); c.15406T>G, p.Leu5136Val (NM_001374722.1); c.14773T>G, p.Leu4925Val (NM_001374729.1); c.8515T>G, p.Leu2839Val (NM_001374730.1, NM_001386100.1, NM_183380.4); c.15433T>G, p.Leu5145Val (NM_001374734.1); c.7537T>G, p.Leu2513Val (NM_015548.5); short protein forms L2513V, L2839V, L2879V, L3017V, L4925V, L5136V, L5145V.
Identifiers: ClinVar variation 1027084 (VCV001027084.10), dbSNP rs750727762, ClinGen allele CA3867820.